The following is an entry in ClinVar:

NM_000059.4(BRCA2):c.6832A>C (p.Ile2278Leu)

Gene: BRCA2 (BRCA2 DNA repair associated; plus strand). Cytogenetic location: 13q13.1.
Variant type: single nucleotide variant.
Coding change: c.6832A>C on transcript NM_000059.4 (MANE Select); coding-DNA position 6832, A replaced by C.
Protein change: p.Ile2278Leu; replaces isoleucine 2278 with leucine.
Molecular consequence: missense variant.
Genome position (GRCh38, 1-based): chr13:32,341,187, A>C. VCF-style: chr13-32341187-A-C. GRCh37 (hg19) VCF-style: chr13-32915324-A-C.
Other names: c.6832A>C (NM_000059.3); short protein forms I2278L.
Identifiers: ClinVar variation 1019785 (VCV001019785.16), dbSNP rs772645059, ClinGen allele CA387791484.

ClinVar aggregate classification (germline): Conflicting classifications of pathogenicity. Review status: criteria provided, conflicting classifications (1 of 4 stars). 5 submissions from 5 submitters: Uncertain significance (4); Likely benign (1). Last evaluated 2025-10-03.

Conditions:
Hereditary cancer-predisposing syndrome. Also called: Hereditary neoplastic syndrome; Neoplastic Syndromes, Hereditary; Tumor predisposition; Hereditary Cancer Syndrome. Identifiers: Orphanet 140162, MedGen C0027672, MeSH D009386, MONDO:0015356.
Hereditary breast ovarian cancer syndrome. Also called: BRCA1- and BRCA2-Associated Hereditary Breast and Ovarian Cancer; Hereditary breast and/or ovarian cancer syndrome; Hereditary breast and ovarian cancer syndrome; Hereditary breast and ovarian cancer syndrome (HBOC); Breast and ovarian cancer; Hereditary breast and ovarian cancer. Identifiers: Orphanet 145, MedGen C0677776, MeSH D061325, MONDO:0003582. Disease mechanism: loss of function.
Breast-ovarian cancer, familial, susceptibility to, 2 (BROVCA2). Also called: BRCA2 Hereditary Breast and Ovarian Cancer. Identifiers: Orphanet 145, MedGen C2675520, MONDO:0012933, OMIM 612555. Disease mechanism: loss of function.

Submissions (5):

Color Diagnostics, LLC DBA Color Health
Classification: Uncertain significance for Hereditary cancer-predisposing syndrome. Last evaluated: 2025-10-03. Review status: criteria provided, single submitter. Criteria: ACMG Guidelines, 2015. Collection method: clinical testing. Allele origin: germline.
Comment: This missense variant replaces isoleucine with leucine at codon 2278 of the BRCA2 protein. Computational prediction suggests that this variant may not impact protein structure and function. To our knowledge, functional studies have not been reported for this variant. This variant has not been reported in individuals affected with BRCA2-related disorders in the literature. This variant has not been identified in the general population by the Genome Aggregation Database (gnomAD). The available evidence is insufficient to determine the role of this variant in disease conclusively. Therefore, this variant is classified as a Variant of Uncertain Significance.

All of Us Research Program, National Institutes of Health
Classification: Uncertain significance for Breast-ovarian cancer, familial, susceptibility to, 2. Last evaluated: 2023-08-08. Review status: criteria provided, single submitter. Criteria: ACMG Guidelines, 2015. Collection method: clinical testing. Allele origin: germline. Inheritance: Autosomal dominant inheritance. Observed: 1 variant allele, 1 heterozygote.
Comment: This missense variant replaces isoleucine with leucine at codon 2278 of the BRCA2 protein. Computational prediction suggests that this variant may not impact protein structure and function (internally defined REVEL score threshold <= 0.5, PMID: 27666373). To our knowledge, functional studies have not been reported for this variant. This variant has not been reported in individuals affected with BRCA2-related disorders in the literature. This variant has not been identified in the general population by the Genome Aggregation Database (gnomAD). The available evidence is insufficient to determine the role of this variant in disease conclusively. Therefore, this variant is classified as a Variant of Uncertain Significance.

This study involves interpretation of variants in research participants for the purpose of population health screening. Participant phenotype was not available at the time of variant classification. Additional details can be found in publication PMID: 35346344, PMCID: PMC8962531

Ambry Genetics
Classification: Uncertain significance for Hereditary cancer-predisposing syndrome. Last evaluated: 2023-07-05. Review status: criteria provided, single submitter. Criteria: Ambry Variant Classification Scheme 2023. Collection method: clinical testing. Allele origin: germline.
Comment: The p.I2278L variant (also known as c.6832A>C), located in coding exon 10 of the BRCA2 gene, results from an A to C substitution at nucleotide position 6832. The isoleucine at codon 2278 is replaced by leucine, an amino acid with highly similar properties. This amino acid position is conserved. In addition, this alteration is predicted to be tolerated by in silico analysis. Since supporting evidence is limited at this time, the clinical significance of this alteration remains unclear.

University of Washington Department of Laboratory Medicine, University of Washington
Classification: Likely benign for Hereditary cancer-predisposing syndrome. Last evaluated: 2023-03-23. Review status: criteria provided, single submitter. Criteria: Dines et al. (Genet Med. 2020). Collection method: curation. Allele origin: germline.
Comment: Missense variant in a coldspot region where missense variants are very unlikely to be pathogenic (PMID:31911673).

BRCA2 exon 11 coldspot. Reclassification based on statistical prior probability.

Labcorp Genetics (formerly Invitae), Labcorp
Classification: Uncertain significance for Hereditary breast ovarian cancer syndrome. Last evaluated: 2020-01-19. Review status: criteria provided, single submitter. Criteria: Invitae Variant Classification Sherloc (09022015). Collection method: clinical testing. Allele origin: germline.
Comment: This sequence change replaces isoleucine with leucine at codon 2278 of the BRCA2 protein (p.Ile2278Leu). The isoleucine residue is weakly conserved and there is a small physicochemical difference between isoleucine and leucine. This variant is not present in population databases (ExAC no frequency). This variant has not been reported in the literature in individuals with BRCA2-related conditions. Algorithms developed to predict the effect of missense changes on protein structure and function (SIFT, PolyPhen-2, Align-GVGD) all suggest that this variant is likely to be tolerated, but these predictions have not been confirmed by published functional studies and their clinical significance is uncertain. In summary, the available evidence is currently insufficient to determine the role of this variant in disease. Therefore, it has been classified as a Variant of Uncertain Significance.